The following is an entry in ClinVar:

NM_002180.3(IGHMBP2):c.1591C>A (p.Pro531Thr)

Genes: IGHMBP2 (immunoglobulin mu DNA binding protein 2; plus strand), LOC126861245 (CDK7 strongly-dependent group 2 enhancer GRCh37_chr11:68701479-68702678; plus strand). Cytogenetic location: 11q13.3.
Variant type: single nucleotide variant.
Coding change: c.1591C>A on transcript NM_002180.3 (MANE Select); coding-DNA position 1591, C replaced by A.
Protein change: p.Pro531Thr; replaces proline 531 with threonine.
Molecular consequence: missense variant.
Genome position (GRCh38, 1-based): chr11:68,934,517, C>A. VCF-style: chr11-68934517-C-A. GRCh37 (hg19) VCF-style: chr11-68701985-C-A.
Other names: p.Pro531Thr.
Identifiers: ClinVar variation 204302 (VCV000204302.14), dbSNP rs756985703, ClinGen allele CA347304.

ClinVar aggregate classification (germline): Conflicting classifications of pathogenicity. Review status: criteria provided, conflicting classifications (1 of 4 stars). 6 submissions from 6 submitters: Likely pathogenic (2); Uncertain significance (3). 1 of the submissions does not count toward it. Last evaluated 2024-02-01.

Conditions:
Autosomal recessive distal spinal muscular atrophy 1. Also called: HMN VI; NEURONOPATHY, SEVERE INFANTILE AXONAL, WITH RESPIRATORY FAILURE; SEVERE INFANTILE AXONAL NEUROPATHY WITH RESPIRATORY FAILURE; SPINAL MUSCULAR ATROPHY, DIAPHRAGMATIC; Spinal muscular atrophy with respiratory distress 1; NEURONOPATHY, DISTAL HEREDITARY MOTOR, HARDING TYPE VI. Identifiers: Orphanet 98920, MedGen C1858517, MONDO:0011436, OMIM 604320.
Charcot-Marie-Tooth disease axonal type 2S. Also called: CHARCOT-MARIE-TOOTH DISEASE, AXONAL, AUTOSOMAL RECESSIVE, TYPE 2S; CHARCOT-MARIE-TOOTH NEUROPATHY, TYPE 2S. Identifiers: Orphanet 443073, MedGen C4015349, MONDO:0014511, OMIM 616155.
Charcot-Marie-Tooth disease. Also called: Charcot-Marie-Tooth Hereditary Neuropathy; Charcot-Marie-Tooth Neuropathy. Identifiers: Orphanet 166, MedGen C0007959, MONDO:0015626.

Allele frequency attached by ClinVar (database versions not stated): gnomAD below 0.00001 and 0.00001; ExAC 0.00009.
gnomAD v4.1: 28 of 1,612,872 alleles (0.0017%); highest among the groups gnomAD compares: South Asian, 0.031%; no homozygotes.

Submissions (6):

Neuberg Centre For Genomic Medicine, NCGM
Classification: Uncertain significance for Charcot-Marie-Tooth disease axonal type 2S. Last evaluated: 2024-02-01. Review status: criteria provided, single submitter. Criteria: ACMG Guidelines, 2015. Collection method: clinical testing. Allele origin: germline. Inheritance: Autosomal recessive inheritance.
Comment: This variant has been reported previously in homozygous or compound heterozygous state in individuals affected with CharcotMarie Tooth Disease Type 2 (Cottenie et al., 2014), This variant in IGHMBP2 gene has not been reported previously as a pathogenic variant nor as a benign variant, to our knowledge.

3billion
Classification: Likely pathogenic for Charcot-Marie-Tooth disease axonal type 2S. Last evaluated: 2023-07-12. Review status: criteria provided, single submitter. Criteria: ACMG Guidelines, 2015. Collection method: clinical testing. Allele origin: germline. Affected: yes.
Comment: The variant is observed at an extremely low frequency in the gnomAD v2.1.1 dataset (total allele frequency: 0.004%). Predicted Consequence/Location: Missense variant In silico tool predictions suggest damaging effect of the variant on gene or gene product (REVEL: 0.68; 3Cnet: 0.30). Same nucleotide change resulting in same amino acid change has been previously reported as pathogenic/likely pathogenic with strong evidence (ClinVar ID: VCV000204302 /PMID: 25439726).The variant has been reported to be in trans with a pathogenic variant as either compound heterozygous or homozygous in at least one similarly affected unrelated individual (PMID: 25439726). Therefore, this variant is classified as Likely pathogenic according to the recommendation of ACMG/AMP guideline.

Foundation for Research in Genetics and Endocrinology, FRIGE's Institute of Human Genetics
Classification: Uncertain significance for Charcot-Marie-Tooth disease axonal type 2S. Last evaluated: 2023-06-28. Review status: criteria provided, single submitter. Criteria: ACMG Guidelines, 2015. Collection method: clinical testing. Allele origin: germline. Inheritance: Autosomal recessive inheritance. Affected: yes. Observed: 1 heterozygote.
Comment: A heterozygous missense substitution (p.Pro531Thr) lies in exon 11 of the IGHMBP2 gene and alters a mildly conserved residue in the protein. The variant c.1591C>A has a minor allele frequency of 0.004% in the gnomAD database. The variant is predicted to be damaging by FATHM. In summary, the variant meets our criteria to be classified as variant of uncertain significance.

Labcorp Genetics (formerly Invitae), Labcorp
Classification: Uncertain significance for Autosomal recessive distal spinal muscular atrophy 1; Charcot-Marie-Tooth disease axonal type 2S. Last evaluated: 2022-06-15. Review status: criteria provided, single submitter. Criteria: Invitae Variant Classification Sherloc (09022015). Collection method: clinical testing. Allele origin: germline.
Comment: This sequence change replaces proline, which is neutral and non-polar, with threonine, which is neutral and polar, at codon 531 of the IGHMBP2 protein (p.Pro531Thr). This variant is present in population databases (rs756985703, gnomAD 0.03%). This missense change has been observed in individual(s) with Charcot-Marie Tooth disease type 2 and/or Down syndrome (PMID: 25439726). ClinVar contains an entry for this variant (Variation ID: 204302). Advanced modeling of protein sequence and biophysical properties (such as structural, functional, and spatial information, amino acid conservation, physicochemical variation, residue mobility, and thermodynamic stability) performed at Invitae indicates that this missense variant is not expected to disrupt IGHMBP2 protein function. In summary, the available evidence is currently insufficient to determine the role of this variant in disease. Therefore, it has been classified as a Variant of Uncertain Significance.

Lifecell International Pvt. Ltd
Classification: Likely pathogenic for Autosomal recessive distal spinal muscular atrophy 1. Review status: criteria provided, single submitter. Criteria: ACMG Guidelines, 2015. Collection method: clinical testing. Allele origin: germline. Inheritance: Autosomal recessive inheritance. Affected: yes. Observed: 1 compound heterozygote.
Comment: A Heterozygous Missense variant c.1591C>A in Exon 11 of the IGHMBP2 gene that results in the amino acid substitution p.Pro531Thr was identified. The observed variant has a minor allele frequency of 0.00004% in gnomAD exomes and is novel in genomes. The severity of the impact of this variant on the protein is medium, based on the effect of the protein and REVEL score . Rare Exome Variant Ensemble Learner (REVEL) is an ensembl method for predicting the pathogenicity of missense variants based on a combination of scores from 13 individual tools: MutPred, FATHMM v2.3, VEST 3.0, PolyPhen-2, SIFT, PROVEAN, MutationAssessor, MutationTaster, LRT, GERP++, SiPhy, phyloP, and phastCons. The REVEL score for an individual missense variant can range from 0 to 1, with higher scores reflecting greater likelihood that the variant is disease-causing. ClinVar has also classified this variant as Conflicting Interpretations Likely Pathogenic/Uncertain Significance [Variation ID: 204302]. The observed variation has been previously reported in patients affected with Neuropathy (Cottenie, Ellen et al., 2014). For these reasons, this variant has been classified as Likely Pathogenic.

Inherited Neuropathy Consortium
Classification: Uncertain significance for Charcot-Marie-Tooth disease. Review status: no assertion criteria provided. Collection method: literature only. Allele origin: germline. Affected: yes. Not counted in ClinVar's aggregate classification.

Literature cited by the submitters: PubMed 25439726 (cited by 4 submitters).